The following is an entry in ClinVar:

ClinVar aggregate classification (germline): Uncertain significance (1 of 4 stars; one submission).

Conditions:
RFX6-related disorder. Also called: RFX6-related condition.

gnomAD v4.1: 2 of 1,613,826 alleles (0.00012%); highest among the groups gnomAD compares: East Asian, 0.0045%; no homozygotes.

Submission:

PreventionGenetics, part of Exact Sciences
Classification: Uncertain significance for RFX6-related condition. Last evaluated: 2025-09-18. Review status: criteria provided, single submitter. Criteria: ACMG Guidelines, 2015. Collection method: clinical testing. Allele origin: germline.
Comment: The RFX6 c.2233G>A variant is predicted to result in the amino acid substitution p.Ala745Thr. To our knowledge, this variant has not been reported in the literature. This variant is reported in 0.011% of alleles in individuals of East Asian descent in gnomAD. At this time, the clinical significance of this variant is uncertain due to the absence of conclusive functional and genetic evidence.

NM_173560.4(RFX6):c.2233G>A (p.Ala745Thr)

Gene: RFX6 (regulatory factor X6; plus strand). Cytogenetic location: 6q22.1.
Variant type: single nucleotide variant.
Coding change: c.2233G>A on transcript NM_173560.4 (MANE Select); coding-DNA position 2233, G replaced by A.
Protein change: p.Ala745Thr; replaces alanine 745 with threonine.
Molecular consequence: missense variant.
Genome position (GRCh38, 1-based): chr6:116,927,374, G>A. VCF-style: chr6-116927374-G-A. GRCh37 (hg19) VCF-style: chr6-117248537-G-A.
Other names: short protein forms A745T.
Identifiers: ClinVar variation 4982044 (VCV004982044.1).